The following is an entry in ClinVar:

ClinVar aggregate classification (germline): Pathogenic (1 of 4 stars; one submission).

Conditions:
Neurofibromatosis, type 1 (NF1). Also called: Peripheral type neurofibromatosis; VON RECKLINGHAUSEN DISEASE; NEUROFIBROMATOSIS, TYPE I, SOMATIC; Neurofibromatosis, type I. Identifiers: Orphanet 636, MedGen C0027831, MONDO:0018975, OMIM 162200. Disease mechanism: loss of function.

Submission:

Labcorp Genetics (formerly Invitae), Labcorp
Classification: Pathogenic for Neurofibromatosis, type 1. Last evaluated: 2024-06-11. Review status: criteria provided, single submitter. Criteria: Invitae Variant Classification Sherloc (09022015). Collection method: clinical testing. Allele origin: germline.
Comment: This sequence change creates a premature translational stop signal (p.Lys1345Profs*26) in the NF1 gene. It is expected to result in an absent or disrupted protein product. Loss-of-function variants in NF1 are known to be pathogenic (PMID: 10712197, 23913538). This variant is not present in population databases (gnomAD no frequency). This variant has not been reported in the literature in individuals affected with NF1-related conditions. For these reasons, this variant has been classified as Pathogenic.

Literature cited by the submitters: PubMed 10712197; PubMed 23913538.

NM_001042492.3(NF1):c.4033_4040del (p.Lys1345fs)

Gene: NF1 (neurofibromin 1; plus strand). Cytogenetic location: 17q11.2.
Variant type: Deletion.
Coding change: c.4033_4040del on transcript NM_001042492.3 (MANE Select); coding-DNA positions 4033 to 4040, 8 bases deleted (AAGTTCTT; older notation c.4033_4040delAAGTTCTT).
Protein change: p.Lys1345fs; shifts the reading frame from lysine 1345.
Molecular consequence: frameshift variant.
Genome position (GRCh38, 1-based): chr17:31,249,042-31,249,049, AAGTTCTT deleted. VCF-style (leftmost placement, unchanged base first): chr17-31249041-AAAGTTCTT-A. GRCh37 (hg19) VCF-style: chr17-29576059-AAAGTTCTT-A.
Other names: c.4033_4040delAAGTTCTT, p.Lys1345Profs (NM_000267.4); short protein forms K1345fs.
Identifiers: ClinVar variation 3656174 (VCV003656174.2).
Genomic context (GRCh38, chr17:31,249,041, plus strand): 5'-TAGGTTAGAACCATCAGAGAGCCTTGAGGAAAACCAGCGGAACCTCCTTCAGATGACTGA[AAAGTTCTT>A]CCATGCCATCATCAGTTCCTCCTCAGAATTCCCCCCTCAACTTCGAAGTGTGTGCCACTG-3'